The following is an entry in ClinVar:

NM_020937.4(FANCM):c.3359A>C (p.Asn1120Thr)

Gene: FANCM (FA complementation group M; plus strand). Cytogenetic location: 14q21.2.
Variant type: single nucleotide variant.
Coding change: c.3359A>C on transcript NM_020937.4 (MANE Select); coding-DNA position 3359, A replaced by C.
Protein change: p.Asn1120Thr; replaces asparagine 1120 with threonine.
Molecular consequence: missense variant.
Genome position (GRCh38, 1-based): chr14:45,176,113, A>C. VCF-style: chr14-45176113-A-C. GRCh37 (hg19) VCF-style: chr14-45645316-A-C.
Other names: c.3281A>C, p.Asn1094Thr (NM_001308133.2); short protein forms N1120T, N1094T.
Identifiers: ClinVar variation 3848694 (VCV003848694.1).
Genomic context (GRCh38, chr14:45,176,113, plus strand): 5'-TTCAAATACACAGAAGCCCTGCACAGAATTTAGTTGGAGAGAACAATCATGATGTTGATA[A>C]CAGTGACCTCCCAGTATTGTCCACTGATCAAGATGAAAGTTTGCTGTTATTTGAAGATGT-3'
Protein context (NP_065988.1, residues 1110-1130): LVGENNHDVD[Asn1120Thr]SDLPVLSTDQ

ClinVar aggregate classification (germline): Uncertain significance (1 of 4 stars; one submission).

Conditions:
Inborn genetic diseases. Identifiers: MedGen C0950123, MeSH D030342.

Submission:

Ambry Genetics
Classification: Uncertain significance for Inborn genetic diseases. Last evaluated: 2025-02-03. Review status: criteria provided, single submitter. Criteria: Ambry Variant Classification Scheme 2023. Collection method: clinical testing. Allele origin: germline.
Comment: The p.N1120T variant (also known as c.3359A>C), located in coding exon 14 of the FANCM gene, results from an A to C substitution at nucleotide position 3359. The asparagine at codon 1120 is replaced by threonine, an amino acid with similar properties. This amino acid position is conserved. In addition, this alteration is predicted to be tolerated by in silico analysis. Based on the available evidence, the clinical significance of this variant remains unclear.